The following is an entry in ClinVar:

ClinVar aggregate classification (germline): Uncertain significance (1 of 4 stars; one submission).

Conditions:
Werner syndrome (WRN). Identifiers: Orphanet 902, MedGen C0043119, MONDO:0010196, OMIM 277700.

Submission:

Labcorp Genetics (formerly Invitae), Labcorp
Classification: Uncertain significance for Werner syndrome. Last evaluated: 2024-04-16. Review status: criteria provided, single submitter. Criteria: Invitae Variant Classification Sherloc (09022015). Collection method: clinical testing. Allele origin: germline.
Comment: This sequence change replaces lysine, which is basic and polar, with asparagine, which is neutral and polar, at codon 577 of the WRN protein (p.Lys577Asn). This variant is not present in population databases (gnomAD no frequency). This variant has not been reported in the literature in individuals affected with WRN-related conditions. An algorithm developed to predict the effect of missense changes on protein structure and function (PolyPhen-2) suggests that this variant is likely to be disruptive. In summary, the available evidence is currently insufficient to determine the role of this variant in disease. Therefore, it has been classified as a Variant of Uncertain Significance.

NM_000553.6(WRN):c.1731G>C (p.Lys577Asn)

Gene: WRN (WRN RecQ like helicase; plus strand). Cytogenetic location: 8p12.
Variant type: single nucleotide variant.
Coding change: c.1731G>C on transcript NM_000553.6 (MANE Select); coding-DNA position 1731, G replaced by C.
Protein change: p.Lys577Asn; replaces lysine 577 with asparagine.
Molecular consequence: missense variant.
Genome position (GRCh38, 1-based): chr8:31,090,844, G>C. VCF-style: chr8-31090844-G-C. GRCh37 (hg19) VCF-style: chr8-30948360-G-C.
Other names: short protein forms K577N.
Identifiers: ClinVar variation 2837633 (VCV002837633.3), dbSNP rs2535931424, ClinGen allele CA370927446.